The following is an entry in ClinVar:

NM_001040108.2(MLH3):c.3358G>A (p.Val1120Met)

Gene: MLH3 (mutL homolog 3; minus strand). Cytogenetic location: 14q24.3.
Variant type: single nucleotide variant.
Coding change: c.3358G>A on transcript NM_001040108.2 (MANE Select); coding-DNA position 3358, G replaced by A.
Protein change: p.Val1120Met; replaces valine 1120 with methionine.
Molecular consequence: missense variant.
Genome position (GRCh38, 1-based): chr14:75,042,400, C>T on the plus strand (G>A on the coding strand, the complement: MLH3 is on the minus strand). VCF-style: chr14-75042400-C-T. GRCh37 (hg19) VCF-style: chr14-75509103-C-T.
Other names: c.3358G>A, p.Val1120Met (NM_014381.3); short protein forms V1120M.
Identifiers: ClinVar variation 2040184 (VCV002040184.7), dbSNP rs780888962, ClinGen allele CA7275522.

ClinVar aggregate classification (germline): Uncertain significance. Review status: criteria provided, multiple submitters, no conflicts (2 of 4 stars). 2 submissions from 2 submitters: Uncertain significance (2). Last evaluated 2025-02-20.

Conditions:
Colorectal cancer, hereditary nonpolyposis, type 7. Identifiers: Orphanet 144, MedGen C1858380, MONDO:0013725, OMIM 614385.

Allele frequency attached by ClinVar (database versions not stated): TOPMed below 0.00001; ExAC 0.00001; gnomAD exomes below 0.00001.

Submissions (2):

Ambry Genetics
Classification: Uncertain significance. Last evaluated: 2025-02-20. Review status: criteria provided, single submitter. Criteria: Ambry Variant Classification Scheme 2023. Collection method: clinical testing. Allele origin: germline.
Comment: The p.V1120M variant (also known as c.3358G>A), located in coding exon 2 of the MLH3 gene, results from a G to A substitution at nucleotide position 3358. The valine at codon 1120 is replaced by methionine, an amino acid with highly similar properties. This amino acid position is conserved. In addition, this alteration is predicted to be tolerated by in silico analysis. Since supporting evidence is limited at this time, the clinical significance of this alteration remains unclear.

Labcorp Genetics (formerly Invitae), Labcorp
Classification: Uncertain significance for Colorectal cancer, hereditary nonpolyposis, type 7. Last evaluated: 2022-12-20. Review status: criteria provided, single submitter. Criteria: Invitae Variant Classification Sherloc (09022015). Collection method: clinical testing. Allele origin: germline.
Comment: In summary, the available evidence is currently insufficient to determine the role of this variant in disease. Therefore, it has been classified as a Variant of Uncertain Significance. Algorithms developed to predict the effect of missense changes on protein structure and function output the following: SIFT: "Tolerated"; PolyPhen-2: "Benign"; Align-GVGD: "Class C0". The methionine amino acid residue is found in multiple mammalian species, which suggests that this missense change does not adversely affect protein function. This variant has not been reported in the literature in individuals affected with MLH3-related conditions. This variant is not present in population databases (gnomAD no frequency). This sequence change replaces valine, which is neutral and non-polar, with methionine, which is neutral and non-polar, at codon 1120 of the MLH3 protein (p.Val1120Met).